The following is an entry in ClinVar:

NM_015046.7(SETX):c.4225A>T (p.Asn1409Tyr)

Gene: SETX (senataxin; minus strand). Cytogenetic location: 9q34.13.
Variant type: single nucleotide variant.
Coding change: c.4225A>T on transcript NM_015046.7 (MANE Select); coding-DNA position 4225, A replaced by T.
Protein change: p.Asn1409Tyr; replaces asparagine 1409 with tyrosine.
Molecular consequence: missense variant.
Genome position (GRCh38, 1-based): chr9:132,327,373, T>A on the plus strand (A>T on the coding strand, the complement: SETX is on the minus strand). VCF-style: chr9-132327373-T-A. GRCh37 (hg19) VCF-style: chr9-135202760-T-A.
Other names: p.Asn1409Tyr; c.4225A>T, p.Asn1409Tyr (NM_001351527.2, NM_001351528.2); short protein forms N1409Y.
Identifiers: ClinVar variation 155745 (VCV000155745.28), dbSNP rs373375060, ClinGen allele CA233099.

ClinVar aggregate classification (germline): Conflicting classifications of pathogenicity. Review status: criteria provided, conflicting classifications (1 of 4 stars). 11 submissions from 10 submitters: Uncertain significance (7); Benign (2). 2 of the submissions do not count toward it. Last evaluated 2026-06-10.

Conditions:
SETX-related disorder. Also called: SETX-related condition; SETX-related disorders. Identifiers: MedGen CN239403.
Inborn genetic diseases. Identifiers: MedGen C0950123, MeSH D030342.
Charcot-Marie-Tooth disease. Also called: Charcot-Marie-Tooth Neuropathy; Charcot-Marie-Tooth Hereditary Neuropathy. Identifiers: Orphanet 166, MedGen C0007959, MONDO:0015626.
Amyotrophic lateral sclerosis type 4 (ALS4). Also called: AMYOTROPHIC LATERAL SCLEROSIS 4, JUVENILE; NEURONOPATHY, DISTAL HEREDITARY MOTOR, WITH PYRAMIDAL FEATURES. Identifiers: Orphanet 357043, MedGen C1865409, MONDO:0011223, OMIM 602433.
Spinocerebellar ataxia, autosomal recessive, with axonal neuropathy 2 (SCAN2). Also called: Ataxia-ocular apraxia-2; ATAXIA-OCULOMOTOR APRAXIA 2; Ataxia with Oculomotor Apraxia Type 2; Ataxia with Oculomotor Apraxia. Identifiers: Orphanet 64753, MedGen C1853761, MONDO:0018996, OMIM 606002.

Allele frequency attached by ClinVar (database versions not stated): gnomAD 0.00005; TOPMed 0.00006; ESP Exome Variant Server 0.00015.
gnomAD v4.1: 94 of 1,614,138 alleles (0.0058%); highest among the groups gnomAD compares: Non-Finnish European, 0.0076%; 1 homozygote.

Submissions (11):

PreventionGenetics, part of Exact Sciences
Classification: Uncertain significance for SETX-related condition. Last evaluated: 2026-06-10. Review status: criteria provided, single submitter. Criteria: ACMG Guidelines, 2015. Collection method: clinical testing. Allele origin: germline.
Comment: The SETX c.4225A>T variant is predicted to result in the amino acid substitution p.Asn1409Tyr. This variant has been reported in an individual with Charcot-Marie-Tooth disease, type 2 (Drew et al. 2015. PubMed ID: 25802885). This variant is reported in 0.0085% of alleles in individuals of European (Non-Finnish) descent in gnomAD. At this time, the clinical significance of this variant is uncertain due to the absence of conclusive functional and genetic evidence.

Labcorp Genetics (formerly Invitae), Labcorp
Classification: Benign for Amyotrophic lateral sclerosis type 4; Spinocerebellar ataxia, autosomal recessive, with axonal neuropathy 2. Last evaluated: 2025-12-16. Review status: criteria provided, single submitter. Criteria: Invitae Variant Classification Sherloc (09022015). Collection method: clinical testing. Allele origin: germline.

Ambry Genetics
Classification: Uncertain significance for Inborn genetic diseases. Last evaluated: 2025-11-06. Review status: criteria provided, single submitter. Criteria: Ambry Variant Classification Scheme 2023. Collection method: clinical testing. Allele origin: germline.

Mayo Clinic Laboratories, Mayo Clinic
Classification: Uncertain significance. Last evaluated: 2025-06-04. Review status: criteria provided, single submitter. Criteria: ACMG Guidelines, 2015. Collection method: clinical testing. Allele origin: germline. Observed: 1 variant allele.
Comment: PP3

Athena Diagnostics
Classification: Uncertain significance. Last evaluated: 2022-09-28. Review status: criteria provided, single submitter. Criteria: Athena Diagnostics Criteria. Collection method: clinical testing. Allele origin: unknown.
Comment: Available data are insufficient to determine the clinical significance of the variant at this time. The frequency of this variant in the general population is uninformative in assessment of its pathogenicity. Computational tools disagree on the variant's effect on normal protein function.

Mendelics
Classification: Benign for Amyotrophic lateral sclerosis type 4. Last evaluated: 2019-05-28. Review status: criteria provided, single submitter. Criteria: Mendelics Assertion Criteria 2017. Collection method: clinical testing. Allele origin: unknown.

ARUP Laboratories, Molecular Genetics and Genomics, ARUP Laboratories
Classification: Uncertain significance. Last evaluated: 2018-09-16. Review status: criteria provided, single submitter. Criteria: ARUP Molecular Germline Variant Investigation Process. Collection method: clinical testing. Allele origin: germline.
Comment: The SETX: p.Asn1409Tyr variant (rs373375060) was reported in one patient with axonal CMT with disease progression including slowing of motor and sensory nerve conduction velocities (Drew 2014). This variant is listed in the Genome Aggregation Database (gnomAD) with an overall population frequency of 0.004 percent (identified on 10 out of 277,124 chromosomes) and has been reported to the ClinVar database (Variation ID: 155745). The asparagine at position 1409 is weakly conserved and computational analyses of the effects of the p.Asn1409Tyr variant on protein structure and function provide conflicting results (SIFT: damaging, PolyPhen-2: benign). Altogether, there is not enough evidence to classify the p.Asn1409Tyr variant with certainty.

Illumina Laboratory Services, Illumina
Classification: Uncertain significance for Spinocerebellar ataxia, autosomal recessive, with axonal neuropathy 2. Last evaluated: 2017-04-28. Review status: criteria provided, single submitter. Criteria: ICSL Variant Classification Criteria 13 December 2019. Collection method: clinical testing. Allele origin: germline.
Comment: This variant was observed as part of a predisposition screen in an ostensibly healthy population. A literature search was performed for the gene, cDNA change, and amino acid change (where applicable). Publications were found based on this search. However, the evidence from the literature, in combination with allele frequency data from public databases where available, was not sufficient to rule this variant in or out of causing disease. Therefore, this variant is classified as a variant of unknown significance.

Illumina Laboratory Services, Illumina
Classification: Uncertain significance for Amyotrophic lateral sclerosis type 4. Last evaluated: 2017-04-28. Review status: criteria provided, single submitter. Criteria: ICSL Variant Classification Criteria 13 December 2019. Collection method: clinical testing. Allele origin: germline.

Inherited Neuropathy Consortium
Classification: Uncertain significance for Charcot-Marie-Tooth disease. Review status: no assertion criteria provided. Collection method: literature only. Allele origin: germline. Affected: yes. Not counted in ClinVar's aggregate classification.

Northcott Neuroscience Laboratory, ANZAC Research Institute
Classification: Likely benign. Review status: no assertion criteria provided. Collection method: not provided. Allele origin: germline. Not counted in ClinVar's aggregate classification.
Comment: Family T
ClinVar note: Converted during submission from probable-non-pathogenic to Likely benign.

Literature cited by the submitters: PubMed 25802885 (cited by 5 submitters).